The following is an entry in ClinVar:

ClinVar aggregate classification (germline): Pathogenic. Review status: criteria provided, multiple submitters, no conflicts (2 of 4 stars). 2 submissions from 2 submitters: Pathogenic (2). Last evaluated 2025-07-03.

Conditions:
Oligodontia-cancer predisposition syndrome. Also called: TOOTH AGENESIS-COLORECTAL CANCER SYNDROME. Identifiers: Orphanet 300576, MedGen C1837750, MONDO:0012075, OMIM 608615. Disease mechanism: loss of function.
Hereditary cancer-predisposing syndrome. Also called: Neoplastic Syndromes, Hereditary; Tumor predisposition; Hereditary Cancer Syndrome; Hereditary neoplastic syndrome. Identifiers: Orphanet 140162, MedGen C0027672, MeSH D009386, MONDO:0015356.

Submissions (2):

Ambry Genetics
Classification: Pathogenic for Hereditary cancer-predisposing syndrome. Last evaluated: 2025-07-03. Review status: criteria provided, single submitter. Criteria: Ambry Variant Classification Scheme 2023. Collection method: clinical testing. Allele origin: germline.
Comment: The c.194_195delCG pathogenic mutation, located in coding exon 1 of the AXIN2 gene, results from a deletion of two nucleotides at nucleotide positions 194 to 195, causing a translational frameshift with a predicted alternate stop codon (p.P65Rfs*75). This variant is considered to be rare based on population cohorts in the Genome Aggregation Database (gnomAD). This alteration is expected to result in loss of function by premature protein truncation or nonsense-mediated mRNA decay. As such, this alteration is interpreted as a disease-causing mutation.

Labcorp Genetics (formerly Invitae), Labcorp
Classification: Pathogenic for Oligodontia-cancer predisposition syndrome. Last evaluated: 2024-02-27. Review status: criteria provided, single submitter. Criteria: Invitae Variant Classification Sherloc (09022015). Collection method: clinical testing. Allele origin: germline.
Comment: This sequence change creates a premature translational stop signal (p.Pro65Argfs*75) in the AXIN2 gene. It is expected to result in an absent or disrupted protein product. Loss-of-function variants in AXIN2 are known to be pathogenic (PMID: 15042511, 21416598). This variant is not present in population databases (gnomAD no frequency). This variant has not been reported in the literature in individuals affected with AXIN2-related conditions. ClinVar contains an entry for this variant (Variation ID: 464585). For these reasons, this variant has been classified as Pathogenic.

Literature cited by the submitters: PubMed 15042511 (cited by Labcorp Genetics (formerly Invitae), Labcorp); PubMed 21416598 (cited by Labcorp Genetics (formerly Invitae), Labcorp).

NM_004655.4(AXIN2):c.194_195del (p.Pro65fs)

Gene: AXIN2 (axin 2; minus strand). Cytogenetic location: 17q24.1.
Variant type: Deletion.
Coding change: c.194_195del on transcript NM_004655.4 (MANE Select); coding-DNA positions 194 to 195, 2 bases deleted (CG; older notation c.194_195delCG).
Protein change: p.Pro65fs; shifts the reading frame from proline 65.
Molecular consequence: frameshift variant.
Genome position (GRCh38, 1-based): chr17:65,558,426-65,558,427, CG deleted on the plus strand (CG on the coding strand, the reverse complement: AXIN2 is on the minus strand). VCF-style (leftmost placement, unchanged base first): chr17-65558425-CCG-C. GRCh37 (hg19) VCF-style: chr17-63554543-CCG-C.
Other names: c.194_195del, p.Pro65fs (NM_001363813.1); c.194_195del (LRG_296t1); short protein forms P65fs.
Identifiers: ClinVar variation 464585 (VCV000464585.7), dbSNP rs1555583659, ClinGen allele CA658658700.